The following is an entry in ClinVar:

NM_024685.4(BBS10):c.55G>T (p.Glu19Ter)

Gene: BBS10 (Bardet-Biedl syndrome 10; minus strand). Cytogenetic location: 12q21.2.
Variant type: single nucleotide variant.
Coding change: c.55G>T on transcript NM_024685.4 (MANE Select); coding-DNA position 55, G replaced by T.
Protein change: p.Glu19Ter; replaces glutamic acid 19 with a stop codon.
Molecular consequence: nonsense.
Genome position (GRCh38, 1-based): chr12:76,348,304, C>A on the plus strand (G>T on the coding strand, the complement: BBS10 is on the minus strand). VCF-style: chr12-76348304-C-A. GRCh37 (hg19) VCF-style: chr12-76742084-C-A.
Other names: short protein forms E19*.
Identifiers: ClinVar variation 4063690 (VCV004063690.2).

ClinVar aggregate classification (germline): Pathogenic (1 of 4 stars; one submission).

Conditions:
Bardet-Biedl syndrome 10 (BBS10). Identifiers: Orphanet 110, MedGen C1859568, MONDO:0014438, OMIM 615987.

gnomAD v4.1: 2 of 1,611,116 alleles (0.00012%); highest among the groups gnomAD compares: Non-Finnish European, 0.000085%; no homozygotes.

Submission:

Natera, Inc.
Classification: Pathogenic for Bardet-Biedl syndrome type 10. Last evaluated: 2025-03-31. Review status: criteria provided, single submitter. Criteria: Natera Variant Classification Schema (03/2026). Collection method: clinical testing. Allele origin: germline.
Comment: The c.55G>T variant in BBS10 is a nonsense variant predicted to introduce a stop codon at amino acid 19. This variant is expected to result in nonsense mediated decay, truncation, or a dysfunctional protein product. This variant is rare in the general population with a frequency below the threshold expected for the associated phenotype(s). This variant has been observed in one or more individuals affected with the associated recessive disease, as either homozygous or compound heterozygous with a second variant (PMID: 37333983). Given the available evidence, this variant is classified as Pathogenic.

Literature cited by the submitters: PubMed 37333983.